The following is an entry in ClinVar:

ClinVar aggregate classification (germline): Likely pathogenic (1 of 4 stars; one submission).

Conditions:
LTBP3-related disorder. Also called: LTBP3-related condition.

Allele frequency attached by ClinVar (database versions not stated): gnomAD exomes below 0.00001.

Submission:

PreventionGenetics, part of Exact Sciences
Classification: Likely pathogenic for LTBP3-related condition. Last evaluated: 2023-07-01. Review status: criteria provided, single submitter. Criteria: ACMG Guidelines, 2015. Collection method: clinical testing. Allele origin: germline.
Comment: The LTBP3 c.846delC variant is predicted to result in a frameshift and premature protein termination (p.Asp282Glufs*106). To our knowledge, this variant has not been reported in the literature or in a large population database, indicating this variant is rare. Frameshift variants in LTBP3 are expected to be pathogenic. This variant is interpreted as likely pathogenic.

NM_001130144.3(LTBP3):c.846del (p.Asp282fs)

Gene: LTBP3 (latent transforming growth factor beta binding protein 3; minus strand). Cytogenetic location: 11q13.1.
Variant type: Deletion.
Coding change: c.846del on transcript NM_001130144.3 (MANE Select); coding-DNA position 846, one base deleted (C; older notation c.846delC).
Protein change: p.Asp282fs; shifts the reading frame from aspartic acid 282.
Molecular consequence: frameshift variant.
Genome position (GRCh38, 1-based): chr11:65,553,719, G deleted on the plus strand (C on the coding strand, the reverse complement: LTBP3 is on the minus strand). VCF-style (leftmost placement, unchanged base first): chr11-65553718-TG-T. GRCh37 (hg19) VCF-style: chr11-65321189-TG-T.
Other names: c.495del, p.Asp165fs (NM_001164266.1); c.846del, p.Asp282fs (NM_021070.4); short protein forms D165fs, D282fs.
Identifiers: ClinVar variation 2632781 (VCV002632781.1), dbSNP rs2496175522, ClinGen allele CA2614343056.